The following is an entry in ClinVar:

NM_025137.4(SPG11):c.3145+1G>A

Gene: SPG11 (SPG11 vesicle trafficking associated, spatacsin; minus strand). Cytogenetic location: 15q21.1.
Variant type: single nucleotide variant.
Coding change: c.3145+1G>A on transcript NM_025137.4 (MANE Select); the canonical splice donor site of the intron after coding-DNA position 3145, G replaced by A.
Molecular consequence: splice donor variant.
Genome position (GRCh38, 1-based): chr15:44,613,429, C>T on the plus strand (G>A on the coding strand, the complement: SPG11 is on the minus strand). VCF-style: chr15-44613429-C-T. GRCh37 (hg19) VCF-style: chr15-44905627-C-T.
Other names: c.3145+1G>A (NM_001411132.1, NM_001160227.2).
Identifiers: ClinVar variation 2633285 (VCV002633285.1), dbSNP rs956922949, ClinGen allele CA392228095.
Genomic context (GRCh38, chr15:44,613,429, plus strand): 5'-ATTCAACAGACCAGTGACTGATCCAAAGCAAGTTTCTGTGTTTAATACAGTATACCCATA[C>T]CTGTTAAGTTACTGGCAACTTGTCGACACTGAACTAAAAATTCAAACCAAGGGTGTGCTT-3'

ClinVar aggregate classification (germline): Likely pathogenic (1 of 4 stars; one submission).

Conditions:
SPG11-related disorder. Also called: SPG11-related condition.

gnomAD v4.1: 1 of 1,595,242 alleles (0.000063%); highest among the groups gnomAD compares: Non-Finnish European, 0.000086%; no homozygotes.

Submission:

PreventionGenetics, part of Exact Sciences
Classification: Likely pathogenic for SPG11-related condition. Last evaluated: 2023-05-09. Review status: criteria provided, single submitter. Criteria: ACMG Guidelines, 2015. Collection method: clinical testing. Allele origin: germline.
Comment: The SPG11 c.3145+1G>A variant is predicted to disrupt the GT donor site and interfere with normal splicing. However, such predictions are not equivalent to functional evidence. To our knowledge, this variant has not been reported in the literature or in a large population database, indicating this variant is rare. Variants that disrupt the consensus splice donor site in SPG11 are expected to be pathogenic. This variant is interpreted as likely pathogenic.